The following is an entry in ClinVar:

NM_001267550.2(TTN):c.104924G>A (p.Trp34975Ter)

Genes: TTN (titin; minus strand), TTN-AS1 (TTN antisense RNA 1; plus strand). Cytogenetic location: 2q31.2.
Variant type: single nucleotide variant.
Coding change: c.104924G>A on transcript NM_001267550.2 (MANE Select); coding-DNA position 104924, G replaced by A.
Protein change: p.Trp34975Ter; replaces tryptophan 34975 with a stop codon.
Molecular consequence: nonsense.
Genome position (GRCh38, 1-based): chr2:178,531,691, C>T on the plus strand (G>A on the coding strand, the complement: TTN is on the minus strand). VCF-style: chr2-178531691-C-T. GRCh37 (hg19) VCF-style: chr2-179396418-C-T.
Other names: c.100001G>A, p.Trp33334Ter (NM_001256850.1); c.77729G>A, p.Trp25910Ter (NM_003319.4); c.97220G>A, p.Trp32407Ter (NM_133378.4); c.78104G>A, p.Trp26035Ter (NM_133432.3); c.78305G>A, p.Trp26102Ter (NM_133437.4); short protein forms W32407*, W25910*, W26102*, W26035*, W33334*, W34975*.
Identifiers: ClinVar variation 1760554 (VCV001760554.2), dbSNP rs1181086213, ClinGen allele CA349409874.
Genomic context (GRCh38, chr2:178,531,691, plus strand): 5'-CCACTCGTGTTGGTGTAATGAATCTTACTGCTTTCTTGGAGTTCCACACCATTGTGGTAC[C>T]ATTTAACCTCGGCAGTTGGCTTAGACTGAACATTTAAAATAAAACGTGTATTTTGGCCAC-3'

ClinVar aggregate classification (germline): Likely pathogenic (1 of 4 stars; one submission).

Conditions:
Cardiovascular phenotype. Identifiers: MedGen CN230736.

Submission:

Ambry Genetics
Classification: Likely pathogenic for Cardiovascular phenotype. Last evaluated: 2022-10-11. Review status: criteria provided, single submitter. Criteria: Ambry Variant Classification Scheme 2023. Collection method: clinical testing. Allele origin: germline.
Comment: The p.W25910* variant (also known as c.77729G>A), located in coding exon 185 of the TTN gene, results from a G to A substitution at nucleotide position 77729. This changes the amino acid from a tryptophan to a stop codon within coding exon 185. This exon is located in the M-band region of the N2-B isoform of the titin protein and is constitutively expressed in TTN transcripts (percent spliced in or PSI 100%). This variant is considered to be rare based on population cohorts in the Genome Aggregation Database (gnomAD). This alteration is expected to result in loss of function by premature protein truncation or nonsense-mediated mRNA decay. While truncating variants in TTN are present in 1-3% of the general population, truncating variants in the M-band have been reported in association with autosomal recessive titinopathies, primarily presenting with skeletal myopathy phenotypes (Ceyhan-Birsoy O et al. Neurology. 2013 Oct 1;81(14):1205-14; De Cid R et al. Neurology. 2015;85(24):2126-35). In addition, regardless of their position, TTN truncating variants encoded in constitutive exons (PSI >90%) have been found to be significantly associated with dilated cardiomyopathy (DCM), though truncating variants in the A-band are the most common cause of DCM (Herman DS et al. N. Engl. J. Med., 2012 Feb;366:619- 28; Roberts AM et al. Sci Transl Med, 2015 Jan;7:270ra6; Schafer S et al. Nat. Genet., 2017 01;49:46-53). Based on the majority of available evidence to date, this variant is likely to be pathogenic in association with autosomal recessive titinopathy; however, the clinical significance of this alteration with respect to cardiomyopathy remains unclear.